The following is an entry in ClinVar:

ClinVar aggregate classification (germline): Uncertain significance (1 of 4 stars; one submission).

Submission:

Ambry Genetics
Classification: Uncertain significance. Last evaluated: 2025-03-20. Review status: criteria provided, single submitter. Criteria: Ambry Variant Classification Scheme 2023. Collection method: clinical testing. Allele origin: germline.
Comment: The p.I192N variant (also known as c.575T>A), located in coding exon 6 of the RAD51B gene, results from a T to A substitution at nucleotide position 575. The isoleucine at codon 192 is replaced by asparagine, an amino acid with dissimilar properties. This amino acid position is conserved. In addition, this alteration is predicted to be tolerated by in silico analysis. Based on the available evidence, the clinical significance of this variant remains unclear.

NM_133510.4(RAD51B):c.575T>A (p.Ile192Asn)

Gene: RAD51B (RAD51 paralog B; plus strand). Cytogenetic location: 14q24.1.
Variant type: single nucleotide variant.
Coding change: c.575T>A on transcript NM_133510.4 (MANE Select); coding-DNA position 575, T replaced by A.
Protein change: p.Ile192Asn; replaces isoleucine 192 with asparagine.
Molecular consequence: missense variant.
Genome position (GRCh38, 1-based): chr14:67,887,023, T>A. VCF-style: chr14-67887023-T-A. GRCh37 (hg19) VCF-style: chr14-68353740-T-A.
Other names: c.575T>A, p.Ile192Asn (NM_001321809.2, NM_001321810.2, NM_001321812.1 and 6 more transcripts); c.461T>A, p.Ile154Asn (NM_001321815.1); c.218T>A, p.Ile73Asn (NM_001321817.2); short protein forms I154N, I192N, I73N.
Identifiers: ClinVar variation 3942272 (VCV003942272.1).